The following is an entry in ClinVar:

ClinVar aggregate classification (germline): Conflicting classifications of pathogenicity. Review status: criteria provided, conflicting classifications (1 of 4 stars). 4 submissions from 4 submitters: Uncertain significance (3); Likely benign (1). Last evaluated 2025-10-20.

Conditions:
Cardiovascular phenotype. Identifiers: MedGen CN230736.
Arrhythmogenic right ventricular cardiomyopathy (ARVD). Also called: Cardiomyopathy, ARVC; Arrhythmogenic right ventricular dysplasia; Arrhythmogenic cardiomyopathy; Arrhythmogenic Right Ventricular Cardiomyopathy (ARVC). Identifiers: Orphanet 247, MedGen C0349788, MeSH D019571, MONDO:0016587. Disease mechanism: loss of function. Inheritance: Various modes of inheritance.
Cardiomyopathy (CMYO). Also called: Cardiomyopathies. Identifiers: Orphanet 167848, MedGen C0878544, MONDO:0004994, HP:0001638. Inheritance: Various modes of inheritance.
Arrhythmogenic right ventricular dysplasia 9 (ARVD9). Also called: Arrhythmogenic Right Ventricular Dysplasia/Cardiomyopathy 9; ARRHYTHMOGENIC RIGHT VENTRICULAR DYSPLASIA, FAMILIAL, 9. Identifiers: MedGen C1836906, MONDO:0012180, OMIM 609040.

Allele frequency attached by ClinVar (database versions not stated): gnomAD exomes below 0.00001 and 0.00002; TOPMed below 0.00001; gnomAD 0.00001; ExAC 0.00002; 1000 Genomes Project 30x 0.00016; 1000 Genomes Project 0.00020.
gnomAD v4.1: 8 of 1,590,890 alleles (0.0005%); highest among the groups gnomAD compares: East Asian, 0.009%; no homozygotes.

Submissions (4):

Labcorp Genetics (formerly Invitae), Labcorp
Classification: Uncertain significance for Arrhythmogenic right ventricular dysplasia 9. Last evaluated: 2025-10-20. Review status: criteria provided, single submitter. Criteria: Invitae Variant Classification Sherloc (09022015). Collection method: clinical testing. Allele origin: germline.
Comment: This sequence change replaces lysine, which is basic and polar, with arginine, which is basic and polar, at codon 52 of the PKP2 protein (p.Lys52Arg). The frequency data for this variant in the population databases is considered unreliable, as metrics indicate poor data quality at this position in the gnomAD database. This missense change has been observed in individual(s) with cardiomyopathy (PMID: 33949037). ClinVar contains an entry for this variant (Variation ID: 406557). An algorithm developed to predict the effect of missense changes on protein structure and function outputs the following: PolyPhen-2: "Benign". The arginine amino acid residue is found in multiple mammalian species, which suggests that this missense change does not adversely affect protein function. In summary, the available evidence is currently insufficient to determine the role of this variant in disease. Therefore, it has been classified as a Variant of Uncertain Significance.

Ambry Genetics
Classification: Likely benign for Cardiovascular phenotype. Last evaluated: 2024-11-01. Review status: criteria provided, single submitter. Criteria: Ambry Variant Classification Scheme 2023. Collection method: clinical testing. Allele origin: germline.

All of Us Research Program, National Institutes of Health
Classification: Uncertain significance for Arrhythmogenic right ventricular cardiomyopathy. Last evaluated: 2024-05-30. Review status: criteria provided, single submitter. Criteria: ACMG Guidelines, 2015. Collection method: clinical testing. Allele origin: germline. Inheritance: Autosomal dominant inheritance. Observed: 1 variant allele, 1 heterozygote.
Comment: This missense variant replaces lysine with arginine at codon 52 of the PKP2 protein. Computational prediction suggests that this variant may not impact protein structure and function (internally defined REVEL score threshold <= 0.5, PMID: 27666373). To our knowledge, functional studies have not been reported for this variant. This variant has been reported in an individual affected with early-onset and severe dilated cardiomyopathy, and subsequent sudden cardiac death associated with ventricular tachycardia/fibrillation (PMID: 33949037). This variant has been identified in 5/215176 chromosomes in the general population by the Genome Aggregation Database (gnomAD). The available evidence is insufficient to determine the role of this variant in disease conclusively. Therefore, this variant is classified as a Variant of Uncertain Significance.

This study involves interpretation of variants in research participants for the purpose of population health screening. Participant phenotype was not available at the time of variant classification. Additional details can be found in publication PMID: 35346344, PMCID: PMC8962531

Color Diagnostics, LLC DBA Color Health
Classification: Uncertain significance for Cardiomyopathy. Last evaluated: 2024-05-14. Review status: criteria provided, single submitter. Criteria: ACMG Guidelines, 2015. Collection method: clinical testing. Allele origin: germline.
Comment: This missense variant replaces lysine with arginine at codon 52 of the PKP2 protein. Computational prediction suggests that this variant may not impact protein structure and function (internally defined REVEL score threshold <= 0.5, PMID: 27666373). To our knowledge, functional studies have not been reported for this variant. This variant has been reported in an individual affected with early-onset and severe dilated cardiomyopathy, and subsequent sudden cardiac death associated with ventricular tachycardia/fibrillation (PMID: 33949037). This variant has been identified in 5/215176 chromosomes in the general population by the Genome Aggregation Database (gnomAD). The available evidence is insufficient to determine the role of this variant in disease conclusively. Therefore, this variant is classified as a Variant of Uncertain Significance.

Literature cited by the submitters: PubMed 33949037 (cited by 4 submitters).

NM_001005242.3(PKP2):c.155A>G (p.Lys52Arg)

Gene: PKP2 (plakophilin 2; minus strand). Cytogenetic location: 12p11.21.
Variant type: single nucleotide variant.
Coding change: c.155A>G on transcript NM_001005242.3 (MANE Select); coding-DNA position 155, A replaced by G.
Protein change: p.Lys52Arg; replaces lysine 52 with arginine.
Molecular consequence: missense variant.
Genome position (GRCh38, 1-based): chr12:32,896,577, T>C on the plus strand (A>G on the coding strand, the complement: PKP2 is on the minus strand). VCF-style: chr12-32896577-T-C. GRCh37 (hg19) VCF-style: chr12-33049511-T-C.
Other names: c.155A>G, p.Lys52Arg (NM_004572.4); short protein forms K52R.
Identifiers: ClinVar variation 406557 (VCV000406557.13), dbSNP rs549598534, ClinGen allele CA029306.